The following is an entry in ClinVar:

ClinVar aggregate classification (germline): Uncertain significance. Review status: criteria provided, single submitter (1 of 4 stars). 2 submissions from 2 submitters: Uncertain significance (1). 1 of the submissions does not count toward it. Last evaluated 2025-08-06.

Conditions:
MYO7B-related disorder. Also called: MYO7B-related condition.

Allele frequency attached by ClinVar (database versions not stated): 1000 Genomes Project 0.00040; 1000 Genomes Project 30x 0.00062; ExAC 0.00184; gnomAD 0.00230; TOPMed 0.00267; ESP Exome Variant Server 0.00294.
gnomAD v4.1: 5,089 of 1,551,740 alleles (0.33%); highest among the groups gnomAD compares: Non-Finnish European, 0.41%; 9 homozygotes.

Submissions (2):

Ambry Genetics
Classification: Uncertain significance. Last evaluated: 2025-08-06. Review status: criteria provided, single submitter. Criteria: Ambry Variant Classification Scheme 2023. Collection method: clinical testing. Allele origin: germline.

PreventionGenetics, part of Exact Sciences
Classification: Likely benign for MYO7B-related condition. Last evaluated: 2022-09-22. Review status: no assertion criteria provided. Collection method: clinical testing. Allele origin: germline. Not counted in ClinVar's aggregate classification.
Comment: This variant is classified as likely benign based on ACMG/AMP sequence variant interpretation guidelines (Richards et al. 2015 PMID: 25741868, with internal and published modifications).

NM_001393586.1(MYO7B):c.3584G>A (p.Arg1195His)

Gene: MYO7B (myosin VIIB; plus strand). Cytogenetic location: 2q14.3.
Variant type: single nucleotide variant.
Coding change: c.3584G>A on transcript NM_001393586.1 (MANE Select); coding-DNA position 3584, G replaced by A.
Protein change: p.Arg1195His; replaces arginine 1195 with histidine.
Molecular consequence: missense variant.
Genome position (GRCh38, 1-based): chr2:127,622,040, G>A. VCF-style: chr2-127622040-G-A. GRCh37 (hg19) VCF-style: chr2-128379615-G-A.
Other names: c.3506G>A, p.Arg1169His (NM_001080527.2); c.65G>A, p.Arg22His (NM_001393594.1); short protein forms R1169H, R1195H, R22H.
Identifiers: ClinVar variation 3039665 (VCV003039665.3), dbSNP rs201359831, ClinGen allele CA1861492.